The following is an entry in ClinVar:

NM_001368894.2(PAX6):c.410T>A (p.Ile137Lys)

Gene: PAX6 (paired box 6; minus strand). Cytogenetic location: 11p13.
Variant type: single nucleotide variant.
Coding change: c.410T>A on transcript NM_001368894.2 (MANE Select); coding-DNA position 410, T replaced by A.
Protein change: p.Ile137Lys; replaces isoleucine 137 with lysine.
Molecular consequence: missense variant. On other transcripts: 5 prime UTR variant (14), non-coding transcript variant (2).
Genome position (GRCh38, 1-based): chr11:31,800,846, A>T on the plus strand (T>A on the coding strand, the complement: PAX6 is on the minus strand). VCF-style: chr11-31800846-A-T. GRCh37 (hg19) VCF-style: chr11-31822394-A-T.
Other names: c.368T>A, p.Ile123Lys (NM_000280.6, NM_001127612.3, NM_001258464.2 and 10 more transcripts); c.410T>A, p.Ile137Lys (NM_001258462.3, NM_001258463.2, NM_001368892.2 and 6 more transcripts); c.-41T>A (NM_001368899.2, NM_001368900.2, NM_001368901.2 and 11 more transcripts); c.485T>A, p.Ile162Lys (NM_001368918.2, NM_001368919.2); c.443T>A, p.Ile148Lys (NM_001368920.2); c.209T>A, p.Ile70Lys (NM_001368921.2, NM_001368922.2, NM_001368923.2 and 4 more transcripts); c.611T>A, p.Ile204Lys (NM_001368910.2); c.413T>A, p.Ile138Lys (NM_001368911.2); and 1 more; short protein forms I123K, I137K, I138K, I148K, I162K, I204K, I56K, I70K.
Identifiers: ClinVar variation 1710345 (VCV001710345.1), dbSNP rs2496003605, ClinGen allele CA379958399.

ClinVar aggregate classification (germline): Pathogenic (1 of 4 stars; one submission).

Conditions:
Congenital aniridia. Also called: Aniridia. Identifiers: MedGen C0003076, MONDO:0019172, HP:0000526.

Submission:

Genetics Department, University Hospital of Toulouse
Classification: Pathogenic for Congenital aniridia. Last evaluated: 2022-10-15. Review status: criteria provided, single submitter. Criteria: ACMG Guidelines, 2015. Collection method: clinical testing. Allele origin: germline. Affected: yes.
Comment: P (PS2, PM1, PM2, PM4)